The following is an entry in ClinVar:

ClinVar aggregate classification (germline): Uncertain significance (1 of 4 stars; one submission).

Conditions:
PLXNA4-related disorder. Also called: PLXNA4-related condition.

gnomAD v4.1: 2 of 1,614,196 alleles (0.00012%); highest among the groups gnomAD compares: Admixed American, 0.0033%; no homozygotes.

Submission:

PreventionGenetics, part of Exact Sciences
Classification: Uncertain significance for PLXNA4-related condition. Last evaluated: 2025-10-09. Review status: criteria provided, single submitter. Criteria: ACMG Guidelines, 2015. Collection method: clinical testing. Allele origin: germline.
Comment: The PLXNA4 c.1455G>T variant is predicted to result in the amino acid substitution p.Met485Ile. To our knowledge, this variant has not been reported in the literature. This variant is reported in 0.0058% of alleles in individuals of Latino descent in gnomAD. At this time, the clinical significance of this variant is uncertain due to the absence of conclusive functional and genetic evidence.

NM_020911.2(PLXNA4):c.1455G>T (p.Met485Ile)

Gene: PLXNA4 (plexin A4; minus strand). Cytogenetic location: 7q32.3.
Variant type: single nucleotide variant.
Coding change: c.1455G>T on transcript NM_020911.2 (MANE Select); coding-DNA position 1455, G replaced by T.
Protein change: p.Met485Ile; replaces methionine 485 with isoleucine.
Molecular consequence: missense variant.
Genome position (GRCh38, 1-based): chr7:132,298,139, C>A on the plus strand (G>T on the coding strand, the complement: PLXNA4 is on the minus strand). VCF-style: chr7-132298139-C-A. GRCh37 (hg19) VCF-style: chr7-131982898-C-A.
Other names: c.1455G>T, p.Met485Ile (NM_001393897.1); short protein forms M485I.
Identifiers: ClinVar variation 4987897 (VCV004987897.1).